The following is an entry in ClinVar:

ClinVar aggregate classification (germline): Uncertain significance (1 of 4 stars; one submission).

Conditions:
Hereditary cancer-predisposing syndrome. Also called: Hereditary Cancer Syndrome; Hereditary neoplastic syndrome; Neoplastic Syndromes, Hereditary; Tumor predisposition. Identifiers: Orphanet 140162, MedGen C0027672, MeSH D009386, MONDO:0015356.

Submission:

Ambry Genetics
Classification: Uncertain significance for Hereditary cancer-predisposing syndrome. Last evaluated: 2022-04-24. Review status: criteria provided, single submitter. Criteria: Ambry Variant Classification Scheme 2023. Collection method: clinical testing. Allele origin: germline.
Comment: The p.A491S variant (also known as c.1471G>T), located in coding exon 5 of the AXIN2 gene, results from a G to T substitution at nucleotide position 1471. The alanine at codon 491 is replaced by serine, an amino acid with similar properties. This amino acid position is conserved. In addition, this alteration is predicted to be tolerated by in silico analysis. Since supporting evidence is limited at this time, the clinical significance of this alteration remains unclear.

NM_004655.4(AXIN2):c.1471G>T (p.Ala491Ser)

Gene: AXIN2 (axin 2; minus strand). Cytogenetic location: 17q24.1.
Variant type: single nucleotide variant.
Coding change: c.1471G>T on transcript NM_004655.4 (MANE Select); coding-DNA position 1471, G replaced by T.
Protein change: p.Ala491Ser; replaces alanine 491 with serine.
Molecular consequence: missense variant.
Genome position (GRCh38, 1-based): chr17:65,537,565, C>A on the plus strand (G>T on the coding strand, the complement: AXIN2 is on the minus strand). VCF-style: chr17-65537565-C-A. GRCh37 (hg19) VCF-style: chr17-63533683-C-A.
Other names: c.1471G>T, p.Ala491Ser (NM_001363813.1); short protein forms A491S.
Identifiers: ClinVar variation 1773370 (VCV001773370.2), dbSNP rs761303245, ClinGen allele CA400677434.